The following continues an entry in ClinVar:

NM_000443.4(ABCB4):c.1529A>G (p.Asn510Ser)

Gene: ABCB4. ClinVar aggregate classification (germline): Conflicting classifications of pathogenicity. Pathogenic (7); Likely pathogenic (10); Uncertain significance (2).

Submissions 11 to 20 of 20:

Fulgent Genetics
Classification: Likely pathogenic for Low phospholipid associated cholelithiasis; Progressive familial intrahepatic cholestasis type 3; Cholestasis, intrahepatic, of pregnancy, 3. Last evaluated: 2024-04-29. Review status: criteria provided, single submitter. Criteria: ACMG Guidelines, 2015. Collection method: clinical testing. Allele origin: germline.

3billion
Classification: Likely pathogenic for Progressive familial intrahepatic cholestasis type 3. Last evaluated: 2024-02-01. Review status: criteria provided, single submitter. Criteria: ACMG Guidelines, 2015. Collection method: clinical testing. Allele origin: germline. Affected: yes.
Comment: The variant is observed at an extremely low frequency in the gnomAD v2.1.1 dataset (total allele frequency: 0.018%). Predicted Consequence/Location: Missense variant Same nucleotide change resulting in same amino acid change has been previously reported as pathogenic/likely pathogenic with strong evidence (ClinVar ID: VCV000291252 /PMID: 20422496). Therefore, this variant is classified as Likely pathogenic according to the recommendation of ACMG/AMP guideline.

Baylor Genetics
Classification: Pathogenic for Cholestasis, intrahepatic, of pregnancy, 3. Last evaluated: 2023-08-12. Review status: criteria provided, single submitter. Criteria: ACMG Guidelines, 2015. Collection method: clinical testing. Allele origin: unknown.

Baylor Genetics
Classification: Pathogenic for Progressive familial intrahepatic cholestasis type 3. Last evaluated: 2023-08-12. Review status: criteria provided, single submitter. Criteria: ACMG Guidelines, 2015. Collection method: clinical testing. Allele origin: unknown.

Neuberg Centre For Genomic Medicine, NCGM
Classification: Pathogenic for Progressive familial intrahepatic cholestasis type 3. Last evaluated: 2023-02-14. Review status: criteria provided, single submitter. Criteria: ACMG Guidelines, 2015. Collection method: clinical testing. Allele origin: germline. Inheritance: Autosomal recessive inheritance. Affected: yes.

Revvity Omics, Revvity
Classification: Likely pathogenic. Last evaluated: 2022-04-08. Review status: criteria provided, single submitter. Criteria: ACMG Guidelines, 2015. Collection method: clinical testing. Allele origin: germline.

Mendelics
Classification: Pathogenic for Progressive familial intrahepatic cholestasis type 1. Last evaluated: 2019-05-28. Review status: criteria provided, single submitter. Criteria: Mendelics Assertion Criteria 2017. Collection method: clinical testing. Allele origin: unknown.

Eurofins Ntd Llc (ga)
Classification: Likely pathogenic. Last evaluated: 2018-07-17. Review status: criteria provided, single submitter. Criteria: EGL ClinVar v180209 classification definitions. Collection method: clinical testing. Allele origin: germline. Observed: 4 variant alleles, 4 heterozygotes.

Center for Pediatric Genomic Medicine, Children's Mercy Hospital and Clinics
Classification: Uncertain significance. Last evaluated: 2016-10-25. Review status: criteria provided, single submitter. Criteria: ACMG Guidelines, 2015. Collection method: clinical testing. Allele origin: germline.
ClinVar note: Converted during submission from Uncertain Significance to Uncertain significance.

NIHR Bioresource Rare Diseases, University of Cambridge
Classification: Likely pathogenic for Cholestasis, intrahepatic, of pregnancy, 3. Review status: no assertion criteria provided. Collection method: research. Allele origin: unknown. Affected: yes. Observed: 1 variant allele. Not counted in ClinVar's aggregate classification.

Literature cited by the submitters: PubMed 37818704 (cited by Genomenon, Inc); PubMed 37566928 (cited by Genomenon, Inc); PubMed 37208429 (cited by Genomenon, Inc and Women's Health and Genetics/Laboratory Corporation of America, LabCorp); PubMed 35535061 (cited by Genomenon, Inc); PubMed 35288833 (cited by Genomenon, Inc and Women's Health and Genetics/Laboratory Corporation of America, LabCorp); PubMed 34376370 (cited by 3 submitters); PubMed 32917322 (cited by 3 submitters); PubMed 28776642 (cited by 3 submitters); PubMed 23533021 (cited by Genomenon, Inc and Labcorp Genetics (formerly Invitae), Labcorp); PubMed 26474921 (cited by 3 submitters); PubMed 23022423 (cited by 3 submitters); PubMed 23684896 (cited by Genomenon, Inc); PubMed 26324191 (cited by Labcorp Genetics (formerly Invitae), Labcorp and Women's Health and Genetics/Laboratory Corporation of America, LabCorp); PubMed 32581362 (cited by Labcorp Genetics (formerly Invitae), Labcorp and NIHR Bioresource Rare Diseases, University of Cambridge); PubMed 28587926 (cited by Women's Health and Genetics/Laboratory Corporation of America, LabCorp); PubMed 32626542 (cited by Women's Health and Genetics/Laboratory Corporation of America, LabCorp); PubMed 19467940 (cited by Women's Health and Genetics/Laboratory Corporation of America, LabCorp); PubMed 20422496 (cited by 3billion).